The following is an entry in ClinVar:

NM_024757.5(EHMT1):c.428T>C (p.Leu143Pro)

Gene: EHMT1 (euchromatic histone lysine methyltransferase 1; plus strand). Cytogenetic location: 9q34.3.
Variant type: single nucleotide variant.
Coding change: c.428T>C on transcript NM_024757.5 (MANE Select); coding-DNA position 428, T replaced by C.
Protein change: p.Leu143Pro; replaces leucine 143 with proline.
Molecular consequence: missense variant.
Genome position (GRCh38, 1-based): chr9:137,716,968, T>C. VCF-style: chr9-137716968-T-C. GRCh37 (hg19) VCF-style: chr9-140611420-T-C.
Other names: c.428T>C, p.Leu143Pro (NM_001145527.2, NM_001354263.2, NM_001354611.2); c.335T>C, p.Leu112Pro (NM_001354259.2, NM_001354612.2); short protein forms L112P, L143P.
Identifiers: ClinVar variation 3367093 (VCV003367093.1).

ClinVar aggregate classification (germline): Uncertain significance (1 of 4 stars; one submission).

Conditions:
Kleefstra syndrome 1 (KLEFS1). Identifiers: Orphanet 261494, MedGen C0795833, MONDO:0027407, OMIM 610253.

Submission:

Neuberg Centre For Genomic Medicine, NCGM
Classification: Uncertain significance for Kleefstra syndrome 1. Last evaluated: 2023-05-20. Review status: criteria provided, single submitter. Criteria: ACMG Guidelines, 2015. Collection method: clinical testing. Allele origin: germline. Inheritance: Autosomal dominant inheritance. Affected: yes.
Comment: The observed missense variant c.428T>C(p.Leu143Pro) in the EHMT1 gene has not been reported previously as a pathogenic variant nor as a benign variant, to our knowledge. This variant is absent in the gnomAD Exomes. The amino acid Leucine at position 143 is changed to a Proline changing protein sequence and it might alter its composition and physico-chemical properties. Computational evidence (MutationTaster - Disease causing) predict a damaging effect on protein structure and function for this variant. The residue is conserved by GERP++ and PhyloP across 100 vertebrates. For these reasons, this variant has been classified as Uncertain Significance.